The following is an entry in ClinVar:

NM_024496.4(IRF2BPL):c.2203A>T (p.Ser735Cys)

Gene: IRF2BPL (interferon regulatory factor 2 binding protein like; minus strand). Cytogenetic location: 14q24.3.
Variant type: single nucleotide variant.
Coding change: c.2203A>T on transcript NM_024496.4 (MANE Select); coding-DNA position 2203, A replaced by T.
Protein change: p.Ser735Cys; replaces serine 735 with cysteine.
Molecular consequence: missense variant.
Genome position (GRCh38, 1-based): chr14:77,025,590, T>A on the plus strand (A>T on the coding strand, the complement: IRF2BPL is on the minus strand). VCF-style: chr14-77025590-T-A. GRCh37 (hg19) VCF-style: chr14-77491933-T-A.
Other names: c.2203A>T (NM_024496.3); short protein forms S735C.
Identifiers: ClinVar variation 1284940 (VCV001284940.26), dbSNP rs141239534, ClinGen allele CA7283515.
Genomic context (GRCh38, chr14:77,025,590, plus strand): 5'-CGCCGGTGGCCCCCTGGGCCTTGATACTCTCTCTAGAGCAAGGGAAGCAAAATTTGTGGC[T>A]GGGGACGGAAGGGCACTGAACGAAATGCGTATCCTCCAAACGTTCGTGGCAAATGGTGCA-3'
Protein context (NP_078772.1, residues 725-745): THFVQCPSVP[Ser735Cys]HKFCFPCSRE

ClinVar aggregate classification (germline): Likely benign. Review status: criteria provided, multiple submitters, no conflicts (2 of 4 stars). 5 submissions from 5 submitters: Likely benign (2). 3 of the submissions do not count toward it. Last evaluated 2026-05-01.

Conditions:
IRF2BPL-related disorder. Also called: IRF2BPL-related condition. Identifiers: MedGen CN381093.

Allele frequency attached by ClinVar (database versions not stated): 1000 Genomes Project 0.00020; 1000 Genomes Project 30x 0.00031; gnomAD exomes 0.00109 and 0.00239; TOPMed 0.00124; ExAC 0.00126; gnomAD 0.00137 and 0.00145; ESP Exome Variant Server 0.00154.
gnomAD v4.1: 3,604 of 1,607,468 alleles (0.22%); highest among the groups gnomAD compares: Non-Finnish European, 0.29%; 6 homozygotes.

Submissions (5):

CeGaT Center for Human Genetics Tuebingen
Classification: Likely benign. Last evaluated: 2026-05-01. Review status: criteria provided, single submitter. Criteria: CeGaT Center For Human Genetics Tuebingen Variant Classification Criteria Version 2. Collection method: clinical testing. Allele origin: germline. Affected: yes. Observed: 6 variant alleles.
Comment: IRF2BPL: BS1

Blueprint Genetics
Classification: Likely benign. Last evaluated: 2024-11-26. Review status: criteria provided, single submitter. Criteria: ACMG Guidelines, 2015. Collection method: clinical testing. Allele origin: germline.

PreventionGenetics, part of Exact Sciences
Classification: Likely benign for IRF2BPL-related condition. Last evaluated: 2021-03-26. Review status: no assertion criteria provided. Collection method: clinical testing. Allele origin: germline. Not counted in ClinVar's aggregate classification.
Comment: This variant is classified as likely benign based on ACMG/AMP sequence variant interpretation guidelines (Richards et al. 2015 PMID: 25741868, with internal and published modifications).

Clinical Genetics DNA and cytogenetics Diagnostics Lab, Erasmus MC, Erasmus Medical Center
Classification: Likely benign. Review status: no assertion criteria provided. Collection method: clinical testing. Allele origin: germline. Affected: yes. Study: VKGL Data-share Consensus. Not counted in ClinVar's aggregate classification.

Genome Diagnostics Laboratory, University Medical Center Utrecht
Classification: Likely benign. Review status: no assertion criteria provided. Collection method: clinical testing. Allele origin: germline. Affected: yes. Study: VKGL Data-share Consensus. Not counted in ClinVar's aggregate classification.